The following is an entry in ClinVar:

NM_001270974.2(HYDIN):c.6358C>T (p.Arg2120Ter)

Gene: HYDIN (HYDIN axonemal central pair apparatus protein; minus strand). Cytogenetic location: 16q22.2.
Variant type: single nucleotide variant.
Coding change: c.6358C>T on transcript NM_001270974.2 (MANE Select); coding-DNA position 6358, C replaced by T.
Protein change: p.Arg2120Ter; replaces arginine 2120 with a stop codon.
Molecular consequence: nonsense.
Genome position (GRCh38, 1-based): chr16:70,952,594, G>A on the plus strand (C>T on the coding strand, the complement: HYDIN is on the minus strand). VCF-style: chr16-70952594-G-A. GRCh37 (hg19) VCF-style: chr16-70986497-G-A.
Other names: short protein forms R2120*.
Identifiers: ClinVar variation 3242167 (VCV003242167.2), dbSNP rs1597399325.

ClinVar aggregate classification (germline): Likely pathogenic. Review status: criteria provided, multiple submitters, no conflicts (2 of 4 stars). 2 submissions from 2 submitters: Likely pathogenic (2). Last evaluated 2022-06-14.

Conditions:
HYDIN-related disorders.
Primary ciliary dyskinesia 5. Also called: CILIARY DYSKINESIA, PRIMARY, 5, WITHOUT SITUS INVERSUS. Identifiers: Orphanet 244, MedGen C1837615, MONDO:0012088, OMIM 608647.

Allele frequency attached by ClinVar (database versions not stated): TOPMed 0.00002.

Submissions (2):

Blueprint Genetics
Classification: Likely pathogenic for HYDIN-related disorders. Last evaluated: 2022-06-14. Review status: criteria provided, single submitter. Criteria: ACMG Guidelines, 2015. Collection method: clinical testing. Allele origin: germline. Affected: yes. Observed: 1 variant allele.

Neuberg Centre For Genomic Medicine, NCGM
Classification: Likely pathogenic for Primary ciliary dyskinesia 5. Review status: criteria provided, single submitter. Criteria: ACMG Guidelines, 2015. Collection method: clinical testing. Allele origin: germline. Inheritance: Autosomal recessive inheritance. Affected: yes.
Comment: The stop gained c.6358C>T (p.Arg2120Ter) variant in the HYDIN gene has not been reported previously as a pathogenic variant nor as a benign variant, to our knowledge. This variant is absent in the gnomAD Exomes and 1000 Genomes. This variant is predicted to cause loss of normal protein function either through protein truncation or nonsense-mediated mRNA decay. Loss of function variants have been previously reported to be disease causing. The nucleotide change c.6358C>T in HYDIN is predicted as conserved by GERP++ and PhyloP across 100 vertebrates. For these reasons, this variant has been classified as Likely Pathogenic.